The following is an entry in ClinVar:

ClinVar aggregate classification (germline): Likely pathogenic (1 of 4 stars; one submission).

Conditions:
CEP164-related disorder. Also called: CEP164-related condition.

gnomAD v4.1: 3 of 1,614,180 alleles (0.00019%); highest among the groups gnomAD compares: Admixed American, 0.0017%; no homozygotes.

Submission:

PreventionGenetics, part of Exact Sciences
Classification: Likely pathogenic for CEP164-related condition. Last evaluated: 2026-04-24. Review status: criteria provided, single submitter. Criteria: ACMG Guidelines, 2015. Collection method: clinical testing. Allele origin: germline.
Comment: The CEP164 c.2416C>T variant is predicted to result in premature protein termination (p.Gln806*). To our knowledge, this variant has not been reported in the literature. This variant is reported in 0.0029% of alleles in individuals of Latino descent in gnomAD. Nonsense variants in CEP164 are expected to be pathogenic. This variant is interpreted as likely pathogenic.

NM_014956.5(CEP164):c.2416C>T (p.Gln806Ter)

Gene: CEP164 (centrosomal protein 164; plus strand). Cytogenetic location: 11q23.3.
Variant type: single nucleotide variant.
Coding change: c.2416C>T on transcript NM_014956.5 (MANE Select); coding-DNA position 2416, C replaced by T.
Protein change: p.Gln806Ter; replaces glutamine 806 with a stop codon.
Molecular consequence: nonsense.
Genome position (GRCh38, 1-based): chr11:117,392,550, C>T. VCF-style: chr11-117392550-C-T. GRCh37 (hg19) VCF-style: chr11-117263266-C-T.
Other names: c.2425C>T, p.Gln809Ter (NM_001271933.2, NM_001440949.1); c.2416C>T, p.Gln806Ter (NM_001440950.1, NM_001440951.1, NM_001440953.1); c.2251C>T, p.Gln751Ter (NM_001440952.1, NM_001440968.1, NM_001440969.1); c.2338C>T, p.Gln780Ter (NM_001440954.1, NM_001440955.1, NM_001440958.1 and 1 more transcripts); c.2329C>T, p.Gln777Ter (NM_001440956.1, NM_001440957.1); c.2287C>T, p.Gln763Ter (NM_001440960.1); c.2278C>T, p.Gln760Ter (NM_001440961.1, NM_001440967.1); c.2269C>T, p.Gln757Ter (NM_001440962.1, NM_001440963.1, NM_001440964.1 and 4 more transcripts); and 7 more; short protein forms Q757*, Q760*, Q763*, Q806*, Q661*, Q736*, Q753*, Q777*.
Identifiers: ClinVar variation 4993865 (VCV004993865.1).